The following is an entry in ClinVar:

ClinVar aggregate classification (germline): Pathogenic. Review status: reviewed by expert panel (3 of 4 stars). 3 submissions from 3 submitters: Pathogenic (1). 2 of the submissions do not count toward it. Last evaluated 2017-12-15.

Conditions:
Hereditary breast ovarian cancer syndrome. Also called: Hereditary breast and ovarian cancer; Breast and ovarian cancer; BRCA1- and BRCA2-Associated Hereditary Breast and Ovarian Cancer; Hereditary breast and ovarian cancer syndrome; Hereditary breast and ovarian cancer syndrome (HBOC); Hereditary breast and/or ovarian cancer syndrome. Identifiers: Orphanet 145, MedGen C0677776, MeSH D061325, MONDO:0003582. Disease mechanism: loss of function.
Familial cancer of breast. Also called: hereditary breast carcinoma; BREAST CANCER, FAMILIAL; Hereditary breast cancer. Identifiers: Orphanet 227535, MedGen C0346153, MONDO:0016419, OMIM 114480. Disease mechanism: loss of function.
Breast-ovarian cancer, familial, susceptibility to, 2 (BROVCA2). Also called: BRCA2 Hereditary Breast and Ovarian Cancer. Identifiers: Orphanet 145, MedGen C2675520, MONDO:0012933, OMIM 612555. Disease mechanism: loss of function.

Submissions (3):

Evidence-based Network for the Interpretation of Germline Mutant Alleles (ENIGMA)
Classification: Pathogenic for Breast-ovarian cancer, familial, susceptibility to, 2. Last evaluated: 2017-12-15. Review status: reviewed by expert panel. Criteria: ENIGMA BRCA1/2 Classification Criteria (2017-06-29). Collection method: curation. Allele origin: germline. Study: ENIGMA.
Comment: Variant allele predicted to encode a truncated non-functional protein.

Baylor Genetics
Classification: Likely pathogenic for Familial cancer of breast. Last evaluated: 2024-02-27. Review status: criteria provided, single submitter. Criteria: ACMG Guidelines, 2015. Collection method: clinical testing. Allele origin: unknown. Not counted in ClinVar's aggregate classification.

Labcorp Genetics (formerly Invitae), Labcorp
Classification: Pathogenic for Hereditary breast ovarian cancer syndrome. Last evaluated: 2022-08-04. Review status: criteria provided, single submitter. Criteria: Invitae Variant Classification Sherloc (09022015). Collection method: clinical testing. Allele origin: germline. Not counted in ClinVar's aggregate classification.
Comment: For these reasons, this variant has been classified as Pathogenic. ClinVar contains an entry for this variant (Variation ID: 236836). This variant has not been reported in the literature in individuals affected with BRCA2-related conditions. This variant is not present in population databases (gnomAD no frequency). This sequence change creates a premature translational stop signal (p.Cys717*) in the BRCA2 gene. It is expected to result in an absent or disrupted protein product. Loss-of-function variants in BRCA2 are known to be pathogenic (PMID: 20104584).

Literature cited by the submitters: PubMed 20104584 (cited by Labcorp Genetics (formerly Invitae), Labcorp).

NM_000059.4(BRCA2):c.2151_2152del (p.Cys717_Glu718delinsTer)

Gene: BRCA2 (BRCA2 DNA repair associated; plus strand). Cytogenetic location: 13q13.1.
Variant type: Microsatellite.
Coding change: c.2151_2152del on transcript NM_000059.4 (MANE Select); coding-DNA positions 2151 to 2152, 2 bases deleted (TG; older notation c.2151_2152delTG).
Protein change: p.Cys717_Glu718delinsTer.
Molecular consequence: nonsense.
Genome position (GRCh38, 1-based): chr13:32,336,506-32,336,507, TG deleted; deleting any 2 consecutive bases within chr13:32,336,503-32,336,507 gives the same sequence; the c. name uses the placement nearest the transcript's 3' end. VCF-style (leftmost placement, unchanged base first): chr13-32336502-AGT-A. GRCh37 (hg19) VCF-style: chr13-32910639-AGT-A.
Other names: c.2151_2152delTG (NM_000059.3).
Identifiers: ClinVar variation 236836 (VCV000236836.8), dbSNP rs878853560, ClinGen allele CA10583078.